The following is an entry in ClinVar:

ClinVar aggregate classification (germline): Benign. Review status: criteria provided, multiple submitters, no conflicts (2 of 4 stars). 5 submissions from 5 submitters: Benign (4). 1 of the submissions does not count toward it. Last evaluated 2026-01-28.

Conditions:
Deficiency of acetyl-CoA acetyltransferase. Also called: Beta-ketothiolase deficiency; MITOCHONDRIAL ACETOACETYL-CoA THIOLASE DEFICIENCY; 3-KETOTHIOLASE DEFICIENCY; 3-OXOTHIOLASE DEFICIENCY. Identifiers: Orphanet 134, MedGen C1536500, MONDO:0008760, OMIM 203750. Disease mechanism: loss of function.

Allele frequency attached by ClinVar (database versions not stated): ESP Exome Variant Server 0.00038; TOPMed 0.00199; 1000 Genomes Project 30x 0.00344; 1000 Genomes Project 0.00399.
gnomAD v4.1: 1,768 of 1,614,120 alleles (0.11%); highest among the groups gnomAD compares: East Asian, 1.4%; 9 homozygotes.

Submissions (5):

Labcorp Genetics (formerly Invitae), Labcorp
Classification: Benign for Deficiency of acetyl-CoA acetyltransferase. Last evaluated: 2026-01-28. Review status: criteria provided, single submitter. Criteria: Invitae Variant Classification Sherloc (09022015). Collection method: clinical testing. Allele origin: germline.

ARUP Laboratories, Molecular Genetics and Genomics, ARUP Laboratories
Classification: Benign for Deficiency of acetyl-CoA acetyltransferase. Last evaluated: 2025-05-09. Review status: criteria provided, single submitter. Criteria: ARUP Molecular Germline Variant Investigation Process 2024. Collection method: clinical testing. Allele origin: germline.

Illumina Laboratory Services, Illumina
Classification: Benign for Deficiency of acetyl-CoA acetyltransferase. Last evaluated: 2018-01-12. Review status: criteria provided, single submitter. Criteria: ICSL Variant Classification Criteria 13 December 2019. Collection method: clinical testing. Allele origin: germline.
Comment: This variant was observed in the ICSL laboratory as part of a predisposition screen in an ostensibly healthy population. It had not been previously curated by ICSL or reported in the Human Gene Mutation Database (HGMD: prior to June 1st, 2018), and was therefore a candidate for classification through an automated scoring system. Utilizing variant allele frequency, disease prevalence and penetrance estimates, and inheritance mode, an automated score was calculated to assess if this variant is too frequent to cause the disease. Based on the score and internal cut-off values, a variant classified as benign is not then subjected to further curation. The score for this variant resulted in a classification of benign for this disease.

Eurofins Ntd Llc (ga)
Classification: Benign. Last evaluated: 2015-04-13. Review status: criteria provided, single submitter. Criteria: EGL Classification Definitions 2015. Collection method: clinical testing. Allele origin: germline. Observed: 1 variant allele, 1 heterozygote.

Natera, Inc.
Classification: Benign for Alpha-methylacetoacetic aciduria. Last evaluated: 2020-09-16. Review status: no assertion criteria provided. Collection method: clinical testing. Allele origin: germline. Not counted in ClinVar's aggregate classification.

NM_000019.4(ACAT1):c.436-4G>A

Gene: ACAT1 (acetyl-CoA acetyltransferase 1; plus strand). Cytogenetic location: 11q22.3.
Variant type: single nucleotide variant.
Coding change: c.436-4G>A on transcript NM_000019.4 (MANE Select); 4 bases into the intron before coding-DNA position 436, G replaced by A.
Molecular consequence: intron variant.
Genome position (GRCh38, 1-based): chr11:108,138,894, G>A. VCF-style: chr11-108138894-G-A. GRCh37 (hg19) VCF-style: chr11-108009621-G-A.
Other names: c.436-4G>A (LRG_1400t1).
Identifiers: ClinVar variation 198028 (VCV000198028.21), dbSNP rs3741050, ClinGen allele CA203188.
Genomic context (GRCh38, chr11:108,138,894, plus strand): 5'-AAGGGTGTCATGGGTTTGCAAAATATTTGTATTAACATTGGGTTTTTCTGGTGTTTCTGC[G>A]CAGGATGTGATGGTGGCAGGTGGGATGGAGAGCATGTCCAATGTTCCATATGTAATGAAC-3'